The following is an entry in ClinVar:

ClinVar aggregate classification (germline): Uncertain significance (1 of 4 stars; one submission).

Conditions:
Epilepsy, childhood absence, susceptibility to, 1. Also called: Epilepsy, childhood absence 1. Identifiers: Orphanet 64280, MedGen C1838604, MONDO:0020759, OMIM 600131.
Epilepsy, childhood absence, susceptibility to, 5. Identifiers: Orphanet 64280, MedGen C2677087, MONDO:0012843, OMIM 612269.

Submission:

Labcorp Genetics (formerly Invitae), Labcorp
Classification: Uncertain significance for Epilepsy, childhood absence, susceptibility to, 5; Epilepsy, childhood absence, susceptibility to, 1. Last evaluated: 2022-07-19. Review status: criteria provided, single submitter. Criteria: Invitae Variant Classification Sherloc (09022015). Collection method: clinical testing. Allele origin: germline.
Comment: This sequence change replaces valine, which is neutral and non-polar, with leucine, which is neutral and non-polar, at codon 22 of the GABRB3 protein (p.Val22Leu). This variant is not present in population databases (gnomAD no frequency). In summary, the available evidence is currently insufficient to determine the role of this variant in disease. Therefore, it has been classified as a Variant of Uncertain Significance. Advanced modeling of protein sequence and biophysical properties (such as structural, functional, and spatial information, amino acid conservation, physicochemical variation, residue mobility, and thermodynamic stability) performed at Invitae indicates that this missense variant is not expected to disrupt GABRB3 protein function. This variant has not been reported in the literature in individuals affected with GABRB3-related conditions.

NM_000814.6(GABRB3):c.64G>T (p.Val22Leu)

Gene: GABRB3 (gamma-aminobutyric acid type A receptor subunit beta3; minus strand). Cytogenetic location: 15q12.
Variant type: single nucleotide variant.
Coding change: c.64G>T on transcript NM_000814.6 (MANE Select); coding-DNA position 64, G replaced by T.
Protein change: p.Val22Leu; replaces valine 22 with leucine.
Molecular consequence: missense variant. On other transcripts: 5 prime UTR variant (1), intron variant (1).
Genome position (GRCh38, 1-based): chr15:26,772,899, C>A on the plus strand (G>T on the coding strand, the complement: GABRB3 is on the minus strand). VCF-style: chr15-26772899-C-A. GRCh37 (hg19) VCF-style: chr15-27018046-C-A.
Other names: c.-288G>T (NM_001278631.2); c.81-127G>T (NM_021912.5); short protein forms V22L.
Identifiers: ClinVar variation 1897317 (VCV001897317.5), dbSNP rs1891194646, ClinGen allele CA391465584.
Genomic context (GRCh38, chr15:26,772,899, plus strand): 5'-CCCCGCGCCCTGCCCGCCGCCCGCCGGCCCACCCGCGACCCTACCTCTGGGCGCAGCACA[C>A]CACAGCCACCAGCACCGGGGCCGAGAAGATGCCGAAAAGCCTTCCTCCCGCAAGGCCCCA-3'
Protein context (NP_000805.1, residues 12-32): IFSAPVLVAV[Val22Leu]CCAQSVNDPG